The following is an entry in ClinVar:

NM_000081.4(LYST):c.575dup (p.Leu192fs)

Gene: LYST (lysosomal trafficking regulator; minus strand). Cytogenetic location: 1q42.3.
Variant type: Duplication.
Coding change: c.575dup on transcript NM_000081.4 (MANE Select); coding-DNA position 575, one base duplicated (T; older notation c.575dupT).
Protein change: p.Leu192fs; shifts the reading frame from leucine 192.
Molecular consequence: frameshift variant.
Genome position (GRCh38, 1-based): chr1:235,810,243, A duplicated on the plus strand (T on the coding strand, the reverse complement: LYST is on the minus strand); the first of 6 consecutive A bases (chr1:235,810,243-235,810,248); duplicating any one gives the same sequence. VCF-style (leftmost placement, unchanged base first): chr1-235810242-T-TA. GRCh37 (hg19) VCF-style: chr1-235973542-T-TA.
Other names: c.575dup, p.Leu192fs (NM_001301365.1); short protein forms L192fs.
Identifiers: ClinVar variation 2734110 (VCV002734110.3), dbSNP rs2527128643, ClinGen allele CA2547613227.

ClinVar aggregate classification (germline): Pathogenic (1 of 4 stars; one submission).

Conditions:
Chédiak-Higashi syndrome (CHS). Also called: Chediak-Higashi Syndrome. Identifiers: Orphanet 167, MedGen C0007965, MONDO:0008963, OMIM 214500.

Submission:

Labcorp Genetics (formerly Invitae), Labcorp
Classification: Pathogenic for Chédiak-Higashi syndrome. Last evaluated: 2025-09-05. Review status: criteria provided, single submitter. Criteria: Invitae Variant Classification Sherloc (09022015). Collection method: clinical testing. Allele origin: germline.
Comment: This sequence change creates a premature translational stop signal (p.Leu192Phefs*6) in the LYST gene. It is expected to result in an absent or disrupted protein product. Loss-of-function variants in LYST are known to be pathogenic (PMID: 9215679, 11857544). This variant is not present in population databases (gnomAD no frequency). This premature translational stop signal has been observed in individual(s) with Chediak-Higashi syndrome (PMID: 19650863). ClinVar contains an entry for this variant (Variation ID: 2734110). For these reasons, this variant has been classified as Pathogenic.

Literature cited by the submitters: PubMed 9215679; PubMed 11857544; PubMed 19650863.